The following is an entry in ClinVar:

ClinVar aggregate classification (germline): Conflicting classifications of pathogenicity. Review status: criteria provided, conflicting classifications (1 of 4 stars). 6 submissions from 6 submitters: Uncertain significance (5); Likely benign (1). Last evaluated 2026-01-12.

Conditions:
NTHL1-related disorder. Also called: NTHL1-related condition; NTHL1-related conditions.
Familial adenomatous polyposis 3. Also called: NTHL1-Related Adenomatous Polyposis and Colorectal Cancer; NTHL1-associated polyposis; NTHL1-related attenuated familial adenomatous polyposis; NTHL1 Tumor Syndrome. Identifiers: Orphanet 220460, Orphanet 454840, MedGen C4225157, MONDO:0014630, OMIM 616415.
Hereditary cancer-predisposing syndrome. Also called: Tumor predisposition; Hereditary neoplastic syndrome; Hereditary Cancer Syndrome; Neoplastic Syndromes, Hereditary. Identifiers: Orphanet 140162, MedGen C0027672, MeSH D009386, MONDO:0015356.

Allele frequency attached by ClinVar (database versions not stated): gnomAD exomes 0.00001 and 0.00002; ExAC 0.00004; gnomAD 0.00013; TOPMed 0.00014; ESP Exome Variant Server 0.00038.
gnomAD v4.1: 30 of 1,613,204 alleles (0.0019%); highest among the groups gnomAD compares: African/African-American, 0.033%; no homozygotes.

Submissions (6):

Labcorp Genetics (formerly Invitae), Labcorp
Classification: Uncertain significance. Last evaluated: 2026-01-12. Review status: criteria provided, single submitter. Criteria: Invitae Variant Classification Sherloc (09022015). Collection method: clinical testing. Allele origin: germline.
Comment: This sequence change replaces asparagine, which is neutral and polar, with aspartic acid, which is acidic and polar, at codon 98 of the NTHL1 protein (p.Asn98Asp). This variant is present in population databases (rs141903513, gnomAD 0.02%). This variant has not been reported in the literature in individuals affected with NTHL1-related conditions. ClinVar contains an entry for this variant (Variation ID: 661019). An algorithm developed to predict the effect of missense changes on protein structure and function (PolyPhen-2) suggests that this variant is likely to be tolerated. In summary, the available evidence is currently insufficient to determine the role of this variant in disease. Therefore, it has been classified as a Variant of Uncertain Significance.

PreventionGenetics, part of Exact Sciences
Classification: Uncertain significance for NTHL1-related condition. Last evaluated: 2025-11-18. Review status: criteria provided, single submitter. Criteria: ACMG Guidelines, 2015. Collection method: clinical testing. Allele origin: germline.
Comment: The NTHL1 c.292A>G variant is predicted to result in the amino acid substitution p.Asn98Asp. To our knowledge, this variant has not been reported in the literature. This variant is reported in 0.028% of alleles in individuals of African descent in gnomAD and has conflicting interpretations regarding its pathogenicity in ClinVar, ranging from likely benign to uncertain (Variation ID: 661019). At this time, the clinical significance of this variant is uncertain due to the absence of conclusive functional and genetic evidence.

Quest Diagnostics Nichols Institute San Juan Capistrano
Classification: Uncertain significance. Last evaluated: 2025-06-04. Review status: criteria provided, single submitter. Criteria: Quest Diagnostics criteria. Collection method: clinical testing. Allele origin: unknown.
Comment: The NTHL1 c.292A>G (p.Asn98Asp) variant has not been reported in individuals with NTHL1-related conditions in the published literature. The frequency of this variant in the general population (Genome Aggregation Database) is uninformative in the assessment of its pathogenicity. One functional study briefly reported that this variant showed no glycosylase activity (PMID: 15336627 (2004)), however further research is needed. Analysis of this variant using bioinformatics tools for the prediction of the effect of amino acid changes on protein structure and function yielded predictions that this variant is benign. Based on the available information, we are unable to determine the clinical significance of this variant.

Ambry Genetics
Classification: Likely benign for Hereditary cancer-predisposing syndrome. Last evaluated: 2025-02-27. Review status: criteria provided, single submitter. Criteria: Ambry Variant Classification Scheme 2023. Collection method: clinical testing. Allele origin: germline.

Baylor Genetics
Classification: Uncertain significance for Familial adenomatous polyposis 3. Last evaluated: 2024-03-19. Review status: criteria provided, single submitter. Criteria: ACMG Guidelines, 2015. Collection method: clinical testing. Allele origin: unknown.

GeneDx
Classification: Uncertain significance. Last evaluated: 2023-09-28. Review status: criteria provided, single submitter. Criteria: GeneDx Variant Classification Process June 2021. Collection method: clinical testing. Allele origin: germline. Affected: yes.
Comment: In silico analysis supports that this missense variant has a deleterious effect on protein structure/function; Has not been previously published as pathogenic or benign to our knowledge

Literature cited by the submitters: PubMed 15336627 (cited by Quest Diagnostics Nichols Institute San Juan Capistrano).

NM_002528.7(NTHL1):c.268A>G (p.Asn90Asp)

Gene: NTHL1 (nth like DNA glycosylase 1; minus strand). Cytogenetic location: 16p13.3.
Variant type: single nucleotide variant.
Coding change: c.268A>G on transcript NM_002528.7 (MANE Select); coding-DNA position 268, A replaced by G.
Protein change: p.Asn90Asp; replaces asparagine 90 with aspartic acid.
Molecular consequence: missense variant. On other transcripts: intron variant (1).
Genome position (GRCh38, 1-based): chr16:2,046,214, T>C on the plus strand (A>G on the coding strand, the complement: NTHL1 is on the minus strand). VCF-style: chr16-2046214-T-C. GRCh37 (hg19) VCF-style: chr16-2096215-T-C.
Other names: c.268A>G, p.Asn90Asp (LRG_1366t1, NM_001318193.2); c.24+66A>G (NM_001318194.2); short protein forms N90D.
Identifiers: ClinVar variation 661019 (VCV000661019.23), dbSNP rs141903513, ClinGen allele CA7828334.
Genomic context (GRCh38, chr16:2,046,214, plus strand): 5'-AGTGCTCAGTCCCCAGATGGTCCACAGGTGCATCCTTTTTGTTCCTCATGGCACGGATGT[T>C]GACCAGCTGTTGCTGCCAGTCCTGGGGCTCCCAGACTGGCACCTTGAGGGGCTCAGCCCC-3'
Protein context (NP_002519.2, residues 80-100): EPQDWQQQLV[Asn90Asp]IRAMRNKKDA